The following is an entry in ClinVar:

NM_021930.6(RINT1):c.2090A>T (p.Asn697Ile)

Genes: EFCAB10 (EF-hand calcium binding domain 10; minus strand), RINT1 (RAD50 interactor 1; plus strand). Cytogenetic location: 7q22.3.
Variant type: single nucleotide variant.
Coding change: c.2090A>T on transcript NM_021930.6 (MANE Select); coding-DNA position 2090, A replaced by T.
Protein change: p.Asn697Ile; replaces asparagine 697 with isoleucine.
Molecular consequence: missense variant. On other transcripts: non-coding transcript variant (1), intron variant (2).
Genome position (GRCh38, 1-based): chr7:105,565,552, A>T. VCF-style: chr7-105565552-A-T. GRCh37 (hg19) VCF-style: chr7-105205999-A-T.
Other names: c.447T>A, p.His149Gln (NM_001355530.2); c.1856A>T, p.Asn619Ile (NM_001346599.2); c.1067A>T, p.Asn356Ile (NM_001346600.2, NM_001346603.2); c.1166A>T, p.Asn389Ile (NM_001346601.2); c.360-105T>A (NM_001355531.2); c.384-105T>A (NM_001355526.2); short protein forms N619I, N697I, N356I, H149Q, N389I.
Identifiers: ClinVar variation 3314471 (VCV003314471.1).

ClinVar aggregate classification (germline): Uncertain significance (1 of 4 stars; one submission).

Submission:

Ambry Genetics
Classification: Uncertain significance. Last evaluated: 2024-05-19. Review status: criteria provided, single submitter. Criteria: Ambry Variant Classification Scheme 2023. Collection method: clinical testing. Allele origin: germline.
Comment: The p.N697I variant (also known as c.2090A>T), located in coding exon 14 of the RINT1 gene, results from an A to T substitution at nucleotide position 2090. The asparagine at codon 697 is replaced by isoleucine, an amino acid with dissimilar properties. This amino acid position is conserved. In addition, this alteration is predicted to be deleterious by in silico analysis. Based on the available evidence, the clinical significance of this variant remains unclear.